The following is an entry in ClinVar:

NM_052876.4(NACC1):c.1081G>A (p.Asp361Asn)

Gene: NACC1 (nucleus accumbens associated 1; plus strand). Cytogenetic location: 19p13.13.
Variant type: single nucleotide variant.
Coding change: c.1081G>A on transcript NM_052876.4 (MANE Select); coding-DNA position 1081, G replaced by A.
Protein change: p.Asp361Asn; replaces aspartic acid 361 with asparagine.
Molecular consequence: missense variant.
Genome position (GRCh38, 1-based): chr19:13,136,366, G>A. VCF-style: chr19-13136366-G-A. GRCh37 (hg19) VCF-style: chr19-13247180-G-A.
Other names: short protein forms D361N.
Identifiers: ClinVar variation 2785951 (VCV002785951.3), dbSNP rs373785085, ClinGen allele CA305553664.

ClinVar aggregate classification (germline): Uncertain significance (1 of 4 stars; one submission).

Allele frequency attached by ClinVar (database versions not stated): TOPMed below 0.00001; gnomAD 0.00001; ESP Exome Variant Server 0.00008.

Submission:

Labcorp Genetics (formerly Invitae), Labcorp
Classification: Uncertain significance. Last evaluated: 2022-11-26. Review status: criteria provided, single submitter. Criteria: Invitae Variant Classification Sherloc (09022015). Collection method: clinical testing. Allele origin: germline.
Comment: Advanced modeling of protein sequence and biophysical properties (such as structural, functional, and spatial information, amino acid conservation, physicochemical variation, residue mobility, and thermodynamic stability) performed at Invitae indicates that this missense variant is not expected to disrupt NACC1 protein function. This variant has not been reported in the literature in individuals affected with NACC1-related conditions. This variant is not present in population databases (gnomAD no frequency). This sequence change replaces aspartic acid, which is acidic and polar, with asparagine, which is neutral and polar, at codon 361 of the NACC1 protein (p.Asp361Asn). In summary, the available evidence is currently insufficient to determine the role of this variant in disease. Therefore, it has been classified as a Variant of Uncertain Significance.